The following is an entry in ClinVar:

ClinVar aggregate classification (germline): Uncertain significance (1 of 4 stars; one submission).

Conditions:
Ehlers-Danlos syndrome, classic-like, 3. Identifiers: MedGen C5935631, MONDO:0971044, OMIM 620865.

gnomAD v4.1: 3 of 1,613,804 alleles (0.00019%); highest among the groups gnomAD compares: Non-Finnish European, 0.00025%; no homozygotes.

Submission:

Petrovsky National Research Centre of Surgery, The Federal Agency for Scientific Organizations
Classification: Uncertain significance for Ehlers-Danlos syndrome, classic-like, 3. Last evaluated: 2026-07-10. Review status: criteria provided, single submitter. Criteria: ACMG Guidelines, 2015. Collection method: clinical testing. Allele origin: germline. Inheritance: Autosomal dominant inheritance. Affected: yes. Observed: 1 variant allele, 1 heterozygote.
Comment: This variant is in The Genome Aggregation Database (gnomAD) v4.1.0 with total MAF 0.000001859 (Date of access 08-07-2026). This variant has not been reported in any study to our knowledge. Genetic variant in THBS2 are known to be pathogenic in Ehlers-Danlos patient (PMID: 38433265) Most in silico predictors show benign result of the protein change. In accordance with ACMG (2015) criteria this variant is classified as Variant of Uncertain Significance (VUS) with following criteria selected: PM2, BP4.

NM_003247.5(THBS2):c.3418A>G (p.Ile1140Val)

Genes: THBS2 (thrombospondin 2; minus strand), THBS2-AS1 (THBS2 antisense RNA 1; plus strand). Cytogenetic location: 6q27.
Variant type: single nucleotide variant.
Coding change: c.3418A>G on transcript NM_003247.5 (MANE Select); coding-DNA position 3418, A replaced by G.
Protein change: p.Ile1140Val; replaces isoleucine 1140 with valine.
Molecular consequence: missense variant. On other transcripts: non-coding transcript variant (2).
Genome position (GRCh38, 1-based): chr6:169,220,291, T>C on the plus strand (A>G on the coding strand, the complement: THBS2 is on the minus strand). VCF-style: chr6-169220291-T-C. GRCh37 (hg19) VCF-style: chr6-169620386-T-C.
Other names: p.Ile1140Val; c.3244A>G, p.Ile1082Val (NM_001381939.1); c.3187A>G, p.Ile1063Val (NM_001381942.1); short protein forms I1063V, I1140V, I1082V.
Identifiers: ClinVar variation 4891565 (VCV004891565.1).